The following is an entry in ClinVar:

ClinVar aggregate classification (germline): Likely benign (1 of 4 stars; one submission).

Submission:

ARUP Laboratories, Molecular Genetics and Genomics, ARUP Laboratories
Classification: Likely benign. Last evaluated: 2018-09-27. Review status: criteria provided, single submitter. Criteria: ARUP Molecular Germline Variant Investigation Process. Collection method: clinical testing. Allele origin: germline.
Comment: The HBB c.*208G>T variant, to our knowledge, is not reported in the medical literature or gene specific databases. This variant is also absent from general population databases (Exome Variant Server, Genome Aggregation Database), though it is not clear that this genomic position is well represented in exome datasets. This variant occurs in the 3' untranslated region at a nucleotide that is weakly conserved and is located downstream of the poly(A) signal. Based on available information, this variant is considered to be likely benign.

NC_000011.10:g.5225390C>A

Genes: LOC110006319 (beta-globin gene 3' regulatory region; plus strand), LOC107133510 (origin of replication at HBB; plus strand). Cytogenetic location: 11p15.4.
Variant type: single nucleotide variant.
Genome position: GRCh38 VCF-style: chr11-5225390-C-A. GRCh37 (hg19) VCF-style: chr11-5246620-C-A.
Identifiers: ClinVar variation 811028 (VCV000811028.8), dbSNP rs1589890997, ClinGen allele CA915947980.